The following is an entry in ClinVar:

NC_000012.11:g.(?_76739593)_(76742138_?)dup

Gene: BBS10 (Bardet-Biedl syndrome 10; minus strand). Cytogenetic location: 12q21.2.
Variant type: Duplication.
Identifiers: ClinVar variation 1450111 (VCV001450111.4).

ClinVar aggregate classification (germline): Uncertain significance (1 of 4 stars; one submission).

Conditions:
Bardet-Biedl syndrome (BBS). Identifiers: Orphanet 110, MedGen C0752166, MONDO:0015229.

Submission:

Labcorp Genetics (formerly Invitae), Labcorp
Classification: Uncertain significance for Bardet-Biedl syndrome. Last evaluated: 2022-09-27. Review status: criteria provided, single submitter. Criteria: Invitae Variant Classification Sherloc (09022015). Collection method: clinical testing. Allele origin: germline.
Comment: A copy number gain of the genomic region encompassing the full coding sequence of the BBS10 gene has been identified. The boundaries of this event are unknown as they extend beyond the assayed region for this gene and therefore may encompass additional genes. As the precise location of this event is unknown, it may be in tandem or it may be located elsewhere in the genome. This variant has not been reported in the literature in individuals affected with BBS10-related conditions. In summary, the available evidence is currently insufficient to determine the role of this variant in disease. Therefore, it has been classified as a Variant of Uncertain Significance.